The following is an entry in ClinVar:

NM_003742.4(ABCB11):c.2822A>G (p.Asn941Ser)

Genes: ABCB11 (ATP binding cassette subfamily B member 11; minus strand), LOC126806400 (CDK7 strongly-dependent group 2 enhancer GRCh37_chr2:169791870-169793069; plus strand). Cytogenetic location: 2q31.1.
Variant type: single nucleotide variant.
Coding change: c.2822A>G on transcript NM_003742.4 (MANE Select); coding-DNA position 2822, A replaced by G.
Protein change: p.Asn941Ser; replaces asparagine 941 with serine.
Molecular consequence: missense variant.
Genome position (GRCh38, 1-based): chr2:168,935,418, T>C on the plus strand (A>G on the coding strand, the complement: ABCB11 is on the minus strand). VCF-style: chr2-168935418-T-C. GRCh37 (hg19) VCF-style: chr2-169791928-T-C.
Other names: short protein forms N941S.
Identifiers: ClinVar variation 4988466 (VCV004988466.1).

ClinVar aggregate classification (germline): Uncertain significance (1 of 4 stars; one submission).

Conditions:
ABCB11-related disorder. Also called: ABCB11-related condition.

gnomAD v4.1: 15 of 1,610,160 alleles (0.00093%); highest among the groups gnomAD compares: Middle Eastern, 0.099%; no homozygotes.

Submission:

PreventionGenetics, part of Exact Sciences
Classification: Uncertain significance for ABCB11-related condition. Last evaluated: 2026-01-17. Review status: criteria provided, single submitter. Criteria: ACMG Guidelines, 2015. Collection method: clinical testing. Allele origin: germline.
Comment: The ABCB11 c.2822A>G variant is predicted to result in the amino acid substitution p.Asn941Ser. To our knowledge, this variant has not been reported in the literature. This variant is reported in 0.017% of alleles in individuals of South Asian descent in gnomAD. At this time, the clinical significance of this variant is uncertain due to the absence of conclusive functional and genetic evidence.